The following is an entry in ClinVar:

NM_006084.5(IRF9):c.181-3T>C

Gene: IRF9 (interferon regulatory factor 9; plus strand). Cytogenetic location: 14q12.
Variant type: single nucleotide variant.
Coding change: c.181-3T>C on transcript NM_006084.5 (MANE Select); 3 bases into the intron before coding-DNA position 181, T replaced by C.
Molecular consequence: intron variant.
Genome position (GRCh38, 1-based): chr14:24,162,963, T>C. VCF-style: chr14-24162963-T-C. GRCh37 (hg19) VCF-style: chr14-24632172-T-C.
Other names: c.181-3T>C (NM_001385400.1, NM_001385401.1, NM_001385402.1).
Identifiers: ClinVar variation 2965845 (VCV002965845.3), dbSNP rs760732938, ClinGen allele CA7126384.

ClinVar aggregate classification (germline): Uncertain significance (1 of 4 stars; one submission).

Allele frequency attached by ClinVar (database versions not stated): ExAC 0.00002; gnomAD exomes 0.00005; gnomAD 0.00003; TOPMed 0.00003.
gnomAD v4.1: 71 of 1,612,976 alleles (0.0044%); highest among the groups gnomAD compares: Non-Finnish European, 0.006%; no homozygotes.

Submission:

Labcorp Genetics (formerly Invitae), Labcorp
Classification: Uncertain significance. Last evaluated: 2025-10-21. Review status: criteria provided, single submitter. Criteria: Invitae Variant Classification Sherloc (09022015). Collection method: clinical testing. Allele origin: germline.
Comment: This sequence change falls in intron 2 of the IRF9 gene. It does not directly change the encoded amino acid sequence of the IRF9 protein. It affects a nucleotide within the consensus splice site. This variant is present in population databases (rs760732938, gnomAD 0.002%). This variant has not been reported in the literature in individuals affected with IRF9-related conditions. ClinVar contains an entry for this variant (Variation ID: 2965845). Variants that disrupt the consensus splice site are a relatively common cause of aberrant splicing (PMID: 17576681, 9536098). Algorithms developed to predict the effect of sequence changes on RNA splicing suggest that this variant is not likely to affect RNA splicing. In summary, the available evidence is currently insufficient to determine the role of this variant in disease. Therefore, it has been classified as a Variant of Uncertain Significance.

Literature cited by the submitters: PubMed 17576681; PubMed 9536098.